The following is an entry in ClinVar:

ClinVar aggregate classification (germline): Benign. Review status: criteria provided, multiple submitters, no conflicts (2 of 4 stars). 7 submissions from 7 submitters: Benign (5). 2 of the submissions do not count toward it. Last evaluated 2026-02-01.

Conditions:
Telangiectasia, hereditary hemorrhagic, type 2 (HHT2). Also called: ACVRL1-Related Hereditary Hemorrhagic Telangiectasia; Telangiectasia, hereditary hemorrhagic, type II. Identifiers: Orphanet 774, MedGen C1838163, MONDO:0010880, OMIM 600376. Disease mechanism: loss of function.

Allele frequency attached by ClinVar (database versions not stated): gnomAD exomes 0.00085 and 0.00225; ExAC 0.00314; gnomAD 0.00901 and 0.00959; ESP Exome Variant Server 0.00946; 1000 Genomes Project 0.00978; TOPMed 0.00994; 1000 Genomes Project 30x 0.01249.

Submissions (7):

Labcorp Genetics (formerly Invitae), Labcorp
Classification: Benign for Telangiectasia, hereditary hemorrhagic, type 2. Last evaluated: 2026-02-01. Review status: criteria provided, single submitter. Criteria: Invitae Variant Classification Sherloc (09022015). Collection method: clinical testing. Allele origin: germline.

ARUP Laboratories, Molecular Genetics and Genomics, ARUP Laboratories
Classification: Benign for Telangiectasia, hereditary hemorrhagic, type 2. Last evaluated: 2024-08-05. Review status: criteria provided, single submitter. Criteria: ARUP Molecular Germline Variant Investigation Process 2024. Collection method: clinical testing. Allele origin: germline.

Genome-Nilou Lab
Classification: Benign for Telangiectasia, hereditary hemorrhagic, type 2. Last evaluated: 2021-12-05. Review status: criteria provided, single submitter. Criteria: ACMG Guidelines, 2015. Collection method: clinical testing. Allele origin: germline. Affected: no.

GeneDx
Classification: Benign. Last evaluated: 2017-02-08. Review status: criteria provided, single submitter. Criteria: GeneDx Variant Classification (06012015). Collection method: clinical testing. Allele origin: germline. Affected: yes.
Comment: This variant is considered likely benign or benign based on one or more of the following criteria: it is a conservative change, it occurs at a poorly conserved position in the protein, it is predicted to be benign by multiple in silico algorithms, and/or has population frequency not consistent with disease.

PreventionGenetics, part of Exact Sciences
Classification: Benign. Review status: criteria provided, single submitter. Criteria: ACMG Guidelines, 2015. Collection method: clinical testing. Allele origin: germline.

Clinical Genetics, Academic Medical Center
Classification: Benign. Review status: no assertion criteria provided. Collection method: clinical testing. Allele origin: germline. Affected: yes. Study: VKGL Data-share Consensus. Not counted in ClinVar's aggregate classification.

Genome Diagnostics Laboratory, University Medical Center Utrecht
Classification: Benign. Review status: no assertion criteria provided. Collection method: clinical testing. Allele origin: germline. Affected: yes. Study: VKGL Data-share Consensus. Not counted in ClinVar's aggregate classification.

NM_000020.3(ACVRL1):c.1246+19C>T

Gene: ACVRL1 (activin A receptor like type 1; plus strand). Cytogenetic location: 12q13.13.
Variant type: single nucleotide variant.
Coding change: c.1246+19C>T on transcript NM_000020.3 (MANE Select); 19 bases into the intron after coding-DNA position 1246, C replaced by T.
Molecular consequence: intron variant.
Genome position (GRCh38, 1-based): chr12:51,916,252, C>T. VCF-style: chr12-51916252-C-T. GRCh37 (hg19) VCF-style: chr12-52310036-C-T.
Other names: c.1246+19C>T (NM_001077401.2).
Identifiers: ClinVar variation 254707 (VCV000254707.16), dbSNP rs185343653, ClinGen allele CA6573101.